The following is an entry in ClinVar:

NM_003919.3(SGCE):c.677T>C (p.Val226Ala)

Genes: CASD1 (CAS1 domain sialic acid O acetyltransferase 1; plus strand), SGCE (sarcoglycan epsilon; minus strand). Cytogenetic location: 7q21.3.
Variant type: single nucleotide variant.
Coding change: c.677T>C on transcript NM_003919.3 (MANE Select); coding-DNA position 677, T replaced by C.
Protein change: p.Val226Ala; replaces valine 226 with alanine.
Molecular consequence: missense variant.
Genome position (GRCh38, 1-based): chr7:94,603,438, A>G on the plus strand (T>C on the coding strand, the complement: SGCE is on the minus strand). VCF-style: chr7-94603438-A-G. GRCh37 (hg19) VCF-style: chr7-94232750-A-G.
Other names: c.677T>C, p.Val226Ala (NM_001099400.2, NM_001099401.2, NM_001346717.2); c.554T>C, p.Val185Ala (NM_001301139.2, NM_001362809.2); c.785T>C, p.Val262Ala (NM_001346713.2, NM_001346715.2); c.590T>C, p.Val197Ala (NM_001346719.2, NM_001362807.2); c.404T>C, p.Val135Ala (NM_001346720.2, NM_001362808.2); short protein forms V197A, V185A, V226A, V135A, V262A.
Identifiers: ClinVar variation 1379189 (VCV001379189.6), dbSNP rs1799584951, ClinGen allele CA368232449.

ClinVar aggregate classification (germline): Uncertain significance (1 of 4 stars; one submission).

Conditions:
Myoclonic dystonia 11 (DYT11). Also called: DYT-SGCE; Myoclonic dystonia; Dystonia 11; Dystonia, alcohol responsive; Hereditary essential myoclonus; SGCE Myoclonus-Dystonia. Identifiers: Orphanet 36899, MedGen C1834570, MONDO:0008044, OMIM 159900.

Allele frequency attached by ClinVar (database versions not stated): gnomAD exomes below 0.00001; TOPMed below 0.00001.
gnomAD v4.1: 2 of 1,613,262 alleles (0.00012%); highest among the groups gnomAD compares: Admixed American, 0.0017%; no homozygotes.

Submission:

Labcorp Genetics (formerly Invitae), Labcorp
Classification: Uncertain significance for Myoclonic dystonia 11. Last evaluated: 2025-11-03. Review status: criteria provided, single submitter. Criteria: Invitae Variant Classification Sherloc (09022015). Collection method: clinical testing. Allele origin: germline.
Comment: This sequence change replaces valine, which is neutral and non-polar, with alanine, which is neutral and non-polar, at codon 226 of the SGCE protein (p.Val226Ala). This variant is not present in population databases (gnomAD no frequency). This variant has not been reported in the literature in individuals affected with SGCE-related conditions. ClinVar contains an entry for this variant (Variation ID: 1379189). Invitae Evidence Modeling of protein sequence and biophysical properties (such as structural, functional, and spatial information, amino acid conservation, physicochemical variation, residue mobility, and thermodynamic stability) indicates that this missense variant is not expected to disrupt SGCE protein function with a negative predictive value of 80%. In summary, the available evidence is currently insufficient to determine the role of this variant in disease. Therefore, it has been classified as a Variant of Uncertain Significance.